The following is an entry in ClinVar:

NM_001385641.1(SAMD11):c.1670_1671delinsCT (p.Arg557Pro)

Gene: SAMD11 (sterile alpha motif domain containing 11; plus strand). Cytogenetic location: 1p36.33.
Variant type: Indel.
Coding change: c.1670_1671delinsCT on transcript NM_001385641.1 (MANE Select); coding-DNA positions 1670 to 1671, GC replaced by CT.
Protein change: p.Arg557Pro; replaces arginine 557 with proline.
Molecular consequence: missense variant.
Genome position (GRCh38, 1-based): chr1:942,675-942,676, GC replaced by CT. VCF-style: chr1-942675-GC-CT. GRCh37 (hg19) VCF-style: chr1-878055-GC-CT.
Other names: c.1673_1674delinsCT, p.Arg558Pro (NM_001385640.1); c.1181_1182delinsCT, p.Arg394Pro (NM_152486.4); short protein forms R558P, R557P, R394P.
Identifiers: ClinVar variation 1978340 (VCV001978340.4), dbSNP rs2522713729, ClinGen allele CA2580062493.

ClinVar aggregate classification (germline): Uncertain significance (1 of 4 stars; one submission).

Submission:

Labcorp Genetics (formerly Invitae), Labcorp
Classification: Uncertain significance. Last evaluated: 2022-04-09. Review status: criteria provided, single submitter. Criteria: Invitae Variant Classification Sherloc (09022015). Collection method: clinical testing. Allele origin: germline.
Comment: In summary, the available evidence is currently insufficient to determine the role of this variant in disease. Therefore, it has been classified as a Variant of Uncertain Significance. Algorithms developed to predict the effect of missense changes on protein structure and function are either unavailable or do not agree on the potential impact of this missense change (SIFT: "Not Available"; PolyPhen-2: "Possibly Damaging"; Align-GVGD: "Not Available"). This variant has not been reported in the literature in individuals affected with SAMD11-related conditions. The frequency data for this variant in the population databases is considered unreliable, as metrics indicate poor data quality at this position in the gnomAD database. This sequence change replaces arginine, which is basic and polar, with proline, which is neutral and non-polar, at codon 394 of the SAMD11 protein (p.Arg394Pro).